The following is an entry in ClinVar:

ClinVar aggregate classification (germline): Uncertain significance (1 of 4 stars; one submission).

Conditions:
Neuronal ceroid lipofuscinosis 7 (CLN7). Also called: MFSD8-Related Neuronal Ceroid-Lipofuscinosis. Identifiers: Orphanet 168491, Orphanet 228366, MedGen C1838571, MONDO:0012588, OMIM 610951.

Allele frequency attached by ClinVar (database versions not stated): gnomAD exomes below 0.00001.
gnomAD v4.1: 4 of 1,614,168 alleles (0.00025%); highest among the groups gnomAD compares: Non-Finnish European, 0.00034%; no homozygotes.

Submission:

Labcorp Genetics (formerly Invitae), Labcorp
Classification: Uncertain significance for Neuronal ceroid lipofuscinosis 7. Last evaluated: 2022-02-03. Review status: criteria provided, single submitter. Criteria: Invitae Variant Classification Sherloc (09022015). Collection method: clinical testing. Allele origin: germline.
Comment: This sequence change replaces isoleucine, which is neutral and non-polar, with valine, which is neutral and non-polar, at codon 374 of the MFSD8 protein (p.Ile374Val). This variant is not present in population databases (gnomAD no frequency). This variant has not been reported in the literature in individuals affected with MFSD8-related conditions. ClinVar contains an entry for this variant (Variation ID: 853164). Algorithms developed to predict the effect of missense changes on protein structure and function (SIFT, PolyPhen-2, Align-GVGD) all suggest that this variant is likely to be tolerated. Algorithms developed to predict the effect of sequence changes on RNA splicing suggest that this variant may create or strengthen a splice site. In summary, the available evidence is currently insufficient to determine the role of this variant in disease. Therefore, it has been classified as a Variant of Uncertain Significance.

NM_001371596.2(MFSD8):c.1120A>G (p.Ile374Val)

Gene: MFSD8 (major facilitator superfamily domain containing 8; minus strand). Cytogenetic location: 4q28.2.
Variant type: single nucleotide variant.
Coding change: c.1120A>G on transcript NM_001371596.2 (MANE Select); coding-DNA position 1120, A replaced by G.
Protein change: p.Ile374Val; replaces isoleucine 374 with valine.
Molecular consequence: missense variant.
Genome position (GRCh38, 1-based): chr4:127,921,754, T>C on the plus strand (A>G on the coding strand, the complement: MFSD8 is on the minus strand). VCF-style: chr4-127921754-T-C. GRCh37 (hg19) VCF-style: chr4-128842909-T-C.
Other names: c.919A>G, p.Ile307Val (NM_001363520.3); c.805A>G, p.Ile269Val (NM_001363521.3); c.985A>G, p.Ile329Val (NM_001371590.2); c.1120A>G, p.Ile374Val (NM_001371591.2, NM_152778.4); c.1126A>G, p.Ile376Val (NM_001371592.2); c.1006A>G, p.Ile336Val (NM_001371593.2); c.973A>G, p.Ile325Val (NM_001371594.2); c.838A>G, p.Ile280Val (NM_001371595.1); and 2 more; short protein forms I307V, I329V, I376V, I374V, I269V, I280V, I325V, I336V.
Identifiers: ClinVar variation 853164 (VCV000853164.5), dbSNP rs1736367637, ClinGen allele CA358171457.